The following is an entry in ClinVar:

NM_001130987.2(DYSF):c.4993G>A (p.Val1665Ile)

Gene: DYSF (dysferlin; plus strand). Cytogenetic location: 2p13.2.
Variant type: single nucleotide variant.
Coding change: c.4993G>A on transcript NM_001130987.2 (MANE Select); coding-DNA position 4993, G replaced by A.
Protein change: p.Val1665Ile; replaces valine 1665 with isoleucine.
Molecular consequence: missense variant.
Genome position (GRCh38, 1-based): chr2:71,660,641, G>A. VCF-style: chr2-71660641-G-A. GRCh37 (hg19) VCF-style: chr2-71887771-G-A.
Other names: c.4879G>A, p.Val1627Ile (NM_001130455.2); c.4834G>A, p.Val1612Ile (NM_001130976.2); c.4897G>A, p.Val1633Ile (NM_001130977.2); c.4939G>A, p.Val1647Ile (NM_001130978.2); c.4969G>A, p.Val1657Ile (NM_001130979.2); c.4927G>A, p.Val1643Ile (NM_001130980.2); c.4990G>A, p.Val1664Ile (NM_001130981.2); c.4972G>A, p.Val1658Ile (NM_001130982.2); and 5 more; short protein forms V1626I, V1647I, V1665I, V1613I, V1627I, V1633I, V1634I, V1643I.
Identifiers: ClinVar variation 94332 (VCV000094332.51), dbSNP rs147056383, ClinGen allele CA222178.
Genomic context (GRCh38, chr2:71,660,641, plus strand): 5'-TCCATAGGGAAGAAATCAGTGAGTGACCAGGATAACTACATCCCCTGCACGCTGGAGCCC[G>A]TATTTGGAAAGTAAATTGGGGCATCTTGGGTCTTGGGGTGGAGGAGCCAGACAGGATAAC-3'
Protein context (NP_001124459.1, residues 1655-1675): DNYIPCTLEP[Val1665Ile]FGKMFELTCT

ClinVar aggregate classification (germline): Conflicting classifications of pathogenicity. Review status: criteria provided, conflicting classifications (1 of 4 stars). 13 submissions from 13 submitters: Uncertain significance (2); Benign (2); Likely benign (5). 4 of the submissions do not count toward it. Last evaluated 2026-01-22.

Conditions:
DYSF-related disorder. Also called: DYSF-related disorders; DYSF-related condition.
Neuromuscular disease caused by qualitative or quantitative defects of dysferlin. Also called: Qualitative or quantitative defects of dysferlin; Dysferlinopathy. Identifiers: Orphanet 207073, MedGen C2931687, MONDO:0016145.
Autosomal recessive limb-girdle muscular dystrophy type 2B (LGMDR2). Also called: MUSCULAR DYSTROPHY, LIMB-GIRDLE, TYPE 3; Limb-Girdle Muscular Dystrophy Type 2B (LGMD2B); MUSCULAR DYSTROPHY, LIMB-GIRDLE, AUTOSOMAL RECESSIVE 2; Limb-girdle muscular dystrophy, type 2B. Identifiers: Orphanet 268, MedGen C1850889, MONDO:0009676, OMIM 253601.

Allele frequency attached by ClinVar (database versions not stated): ExAC 0.00070; TOPMed 0.00087; gnomAD 0.00057; 1000 Genomes Project 0.00180; 1000 Genomes Project 30x 0.00141.
gnomAD v4.1: 399 of 1,613,842 alleles (0.025%); highest among the groups gnomAD compares: East Asian, 0.74%; 3 homozygotes.

Submissions (13):

Labcorp Genetics (formerly Invitae), Labcorp
Classification: Benign for Neuromuscular disease caused by qualitative or quantitative defects of dysferlin. Last evaluated: 2026-01-22. Review status: criteria provided, single submitter. Criteria: Invitae Variant Classification Sherloc (09022015). Collection method: clinical testing. Allele origin: germline.

Mayo Clinic Laboratories, Mayo Clinic
Classification: Likely benign. Last evaluated: 2025-02-05. Review status: criteria provided, single submitter. Criteria: ACMG Guidelines, 2015. Collection method: clinical testing. Allele origin: germline. Observed: 1 variant allele.
Comment: BS1, BP4_moderate

Blueprint Genetics
Classification: Uncertain significance. Last evaluated: 2024-08-06. Review status: criteria provided, single submitter. Criteria: ACMG Guidelines, 2015. Collection method: clinical testing. Allele origin: germline.

CeGaT Center for Human Genetics Tuebingen
Classification: Likely benign. Last evaluated: 2024-02-01. Review status: criteria provided, single submitter. Criteria: CeGaT Center For Human Genetics Tuebingen Variant Classification Criteria Version 2. Collection method: clinical testing. Allele origin: germline. Affected: yes. Observed: 2 variant alleles.
Comment: DYSF: BS1

Women's Health and Genetics/Laboratory Corporation of America, LabCorp
Classification: Benign. Last evaluated: 2023-02-17. Review status: criteria provided, single submitter. Criteria: LabCorp Variant Classification Summary - May 2015. Collection method: clinical testing. Allele origin: germline.
Comment: Variant summary: DYSF c.4876G>A (p.Val1626Ile) results in a conservative amino acid change located in the C2 domain (IPR000008) of the encoded protein sequence. Four of five in-silico tools predict a benign effect of the variant on protein function. The variant allele was found at a frequency of 0.00074 in 251312 control chromosomes, predominantly at a frequency of 0.0096 within the East Asian subpopulation in the gnomAD database. The observed variant frequency within East Asian control individuals in the gnomAD database is approximately 3-fold of the estimated maximal expected allele frequency for a pathogenic variant in DYSF causing Limb-Girdle Muscular Dystrophy, Autosomal Recessive phenotype (0.0031), strongly suggesting that the variant is a benign polymorphism found primarily in populations of East Asian origin. It has also been reported at a frequency of 0.0044 in control individuals of Japanese ancestry in the Japanese Whole Genome Reference Panel (ToMMo 38KJPN), including 3 homozygotes. c.4876G>A has been reported in the literature in individuals of East Asian ancestry affected with or suspected of Limb-Girdle Muscular Dystrophy/Dysferlinopathy, without strong evidence for pathogenicity, including one case where it was found in cis with a pathogenic variant, providing supporting evidence for a benign role (e.g. Yu_2017, Liu_2018, Zhong_2021). To our knowledge, no experimental evidence demonstrating an impact on protein function has been reported. Eight submitters have provided clinical-significance assessments for this variant to ClinVar after 2014 with conflicting assessments. The majority classified the variant as benign (n=1)/likely benign (n=4), two classified the variant as VUS, and one as pathogenic. Based on the evidence outlined above, the variant was classified as benign.

Athena Diagnostics
Classification: Likely benign. Last evaluated: 2020-11-24. Review status: criteria provided, single submitter. Criteria: Athena Diagnostics criteria. Collection method: clinical testing. Allele origin: unknown.

GeneDx
Classification: Likely benign. Last evaluated: 2020-06-15. Review status: criteria provided, single submitter. Criteria: GeneDx Variant Classification Process June 2021. Collection method: clinical testing. Allele origin: germline. Affected: yes.
Comment: See Variant Classification Assertion Criteria.

Illumina Laboratory Services, Illumina
Classification: Uncertain significance for Qualitative or quantitative defects of dysferlin. Last evaluated: 2017-04-27. Review status: criteria provided, single submitter. Criteria: ICSL Variant Classification Criteria 13 December 2019. Collection method: clinical testing. Allele origin: germline.

Eurofins Ntd Llc (ga)
Classification: Likely benign. Last evaluated: 2017-01-18. Review status: criteria provided, single submitter. Criteria: EGL Classification Definitions 2015. Collection method: clinical testing. Allele origin: germline. Observed: 2 variant alleles, 2 heterozygotes.

PreventionGenetics, part of Exact Sciences
Classification: Likely benign for DYSF-related condition. Last evaluated: 2024-03-12. Review status: no assertion criteria provided. Collection method: clinical testing. Allele origin: germline. Not counted in ClinVar's aggregate classification.
Comment: This variant is classified as likely benign based on ACMG/AMP sequence variant interpretation guidelines (Richards et al. 2015 PMID: 25741868, with internal and published modifications).

Natera, Inc.
Classification: Likely benign for Limb-girdle muscular dystrophy type 2B. Last evaluated: 2020-01-08. Review status: no assertion criteria provided. Collection method: clinical testing. Allele origin: germline. Not counted in ClinVar's aggregate classification.

Department of Neurology, Guangzhou First People’s Hospital, School of Medicine, South China University of Technology
Classification: Pathogenic. Last evaluated: 2019-07-01. Review status: no assertion criteria provided. Collection method: reference population. Allele origin: paternal. Affected: yes. Not counted in ClinVar's aggregate classification.

Counsyl
Classification: Uncertain significance for Autosomal recessive limb-girdle muscular dystrophy type 2B. Last evaluated: 2017-10-02. Review status: no assertion criteria provided. Collection method: clinical testing. Allele origin: unknown. Not counted in ClinVar's aggregate classification.

Literature cited by the submitters: PubMed 28403181 (cited by 4 submitters); PubMed 33613410 (cited by Mayo Clinic Laboratories, Mayo Clinic); PubMed 34559919 (cited by Mayo Clinic Laboratories, Mayo Clinic and Women's Health and Genetics/Laboratory Corporation of America, LabCorp); PubMed 30098242 (cited by Women's Health and Genetics/Laboratory Corporation of America, LabCorp and Athena Diagnostics).